The following is an entry in ClinVar:

ClinVar aggregate classification (germline): Conflicting classifications of pathogenicity. Review status: criteria provided, conflicting classifications (1 of 4 stars). 22 submissions from 22 submitters: Pathogenic (3); Likely pathogenic (9); Uncertain significance (9). 1 of the submissions does not count toward it. Last evaluated 2026-08-06.
ClinVar aggregate classification (somatic clinical impact): Tier II - Potential (1 of 4 stars; one submission).

Conditions:
Familial thoracic aortic aneurysm and aortic dissection (TAAD). Also called: Thoracic aortic aneurysms and dissections. Identifiers: Orphanet 91387, MedGen C4707243, MONDO:0019625.
Aortic aneurysm, familial thoracic 4 (AAT4). Also called: AORTIC ANEURYSM/AORTIC DISSECTION AND PATENT DUCTUS ARTERIOSUS. Identifiers: MedGen C1851504, MONDO:0007568, OMIM 132900.
Congenital aneurysm of ascending aorta (AAT1). Also called: AORTIC ANEURYSM, FAMILIAL THORACIC 1; ANNULOAORTIC ECTASIA; Familial thoracic aortic aneurysm; Aortic aneurysm, thoracic. Identifiers: Orphanet 229, MedGen C0345050, MONDO:0024559, OMIM 607086.
Yolk sac tumor. Identifiers: Orphanet 876, MedGen C0014145, MONDO:0005744.

Submissions 1 to 5 of 23:

OLLIN Analises Genomicas, OLLIN
Classification: Likely pathogenic for Aortic aneurysm, familial thoracic 4. Last evaluated: 2026-08-06. Review status: criteria provided, single submitter. Criteria: ACMG Guidelines 2015 PMID 25741868. Collection method: clinical testing. Allele origin: germline. Inheritance: Autosomal dominant inheritance.
Comment: This in-frame deletion, located in exon 28 (of 41), has been reported in ClinVar (accession VCV003222382.1), in gnomAD with an allele frequency of 0.0035%, and in the scientific literature, segregating with the phenotype, in individuals with MYH11 related disorders (PMID: 35614093, 22968129, 25944730, 26056961, 29907982, 30675029). This variant removes 1 amino acid, preserving the reading frame and leading to a reduced protein length. Functional studies suggest that this variant may affect protein function (PMID: 35614093). According to the currently available evidence, this variant has been classified as likely pathogenic (PS3_P, PS4_P, PM2_P, PM4, PP1).

GeneDx
Classification: Likely pathogenic. Last evaluated: 2026-07-16. Review status: criteria provided, single submitter. Criteria: GeneDx Variant Classification Process June 2021. Collection method: clinical testing. Allele origin: germline.
Comment: In silico analysis supports a deleterious effect on protein structure/function; In-frame deletion of 1 amino acid in a non-repeat region; Also known as c.3787_3789delAAG (p.(Lys1263del)); This variant is associated with the following publications: (PMID: 18391202, 29907982, 28391405, 30675029, 34426522, 25907466, 22968129, 34422331, 28074631, TomidaS2023[Article], PortelliS2023[Preprint], 29510914, 37644562, 35614093, 36307044, 37426142, 26056961, 25944730, 37894894, 37042257, 36517271)

Ambry Genetics
Classification: Likely pathogenic for Familial thoracic aortic aneurysm and aortic dissection. Last evaluated: 2026-04-17. Review status: criteria provided, single submitter. Criteria: Ambry Variant Classification Scheme 2023. Collection method: clinical testing. Allele origin: germline.
Comment: The c.3766_3768delAAG (p.K1256del) alteration, located in exon 28 (coding exon 27) of the MYH11 gene, results from an in-frame deletion at nucleotide positions c.3766 to c.3768. This results in the deletion of a lysine (K) residue at codon 1256. for MYH11-related thoracic aortic aneurysm and dissection (TAAD), though it may represent a lower penetrance allele; however, its clinical significance for autosomal recessive MYH11-related megacystis-microcolon-intestinal hypoperistalsis syndrome is unclear. Based on data from gnomAD, this allele has an overall frequency of 0.005% (13/282182) total alleles studied. The highest observed frequency was 0.007% (9/129114) of European (non-Finnish) alleles. This variant, sometimes described as c.3787_3789delAAG (p.K1236del), has been reported in individuals with thoracic aortic aneurysms and dissections (TAAD) and patent ductus arteriosus (PDA), including segregation with disease in at least one family (Proost, 2015; Imai, 2015; Yeung, 2017; Overwater, 2018; Ambry internal data). In another large family affected with TAAD and PDA, eight affected family members were found to carry this variant, while three affected family members tested negative for the variant (Harakalova, 2013). In addition, this alteration was identified twice in a cohort of individuals referred for aortopathy panel testing, one of whom had aortic dilation and dissection and also carried the FBN1 p.T2149Ifs*11 mutation (Wooderchak-Donahue, 2015). This amino acid position is highly conserved in available vertebrate species. Mouse models for this alteration demonstrate an impact (Negishi, 2022; Tomida, 2023). This alteration is predicted to be deleterious by in silico analysis (Choi, 2012). Based on the available evidence, this alteration is classified as likely pathogenic.

Dasa
Classification: Uncertain significance. Last evaluated: 2026-01-23. Review status: criteria provided, single submitter. Criteria: DASA Assertion Criteria. Collection method: clinical testing. Allele origin: germline.
Comment: NM_002474.3(MYH11):c.3766_3768del (p.Lys1256del) is an in-frame deletion predicted to remove lysine at protein position 1256 without shifting the reading frame. This variant has been recurrently observed in individuals with MYH11-related disorders (PMID: 35614093; PMID: 26056961; PMID: 22968129). Functional evidence supports an impact on the gene or gene product (PMID: 35614093; PMID: 26056961; PMID: 22968129). Also, this variant is rare in population databases. The currently available literature and clinical evidence are not sufficient to establish a definitive association between this variant and the reported condition. Therefore, this variant is classified as a variant of uncertain significance.

Labcorp Genetics (formerly Invitae), Labcorp
Classification: Pathogenic for Aortic aneurysm, familial thoracic 4. Last evaluated: 2025-12-31. Review status: criteria provided, single submitter. Criteria: Invitae Variant Classification Sherloc (09022015). Collection method: clinical testing. Allele origin: germline.
Comment: This variant, c.3787_3789del, results in the deletion of 1 amino acid(s) of the MYH11 protein (p.Lys1263del), but otherwise preserves the integrity of the reading frame. The frequency data for this variant in the population databases is considered unreliable, as metrics indicate poor data quality at this position in the gnomAD database. This variant has been observed in individuals with clinical features of autosomal dominant MYH11-related conditions (PMID: 22968129, 25944730, 26056961, 29907982, 30675029; internal data). It has also been observed to segregate with disease in related individuals. This variant is also known as c.3766_3768delAAG (p.Lys1256del). ClinVar contains an entry for this variant (Variation ID: 180420). Algorithms developed to predict the effect of variants on gene product structure and function are not available or were not evaluated for this variant. Experimental studies have shown that this variant affects MYH11 function (PMID: 28074631). For these reasons, this variant has been classified as Pathogenic.

NM_002474.3(MYH11):c.3757AAG[3] (p.Lys1256del)

Gene: MYH11 (myosin heavy chain 11; minus strand). Cytogenetic location: 16p13.11.
Variant type: Microsatellite.
Coding change: c.3757AAG[3] on transcript NM_002474.3 (MANE Select); three copies in a row of the 3-base unit AAG starting at c.3757; the reference has four copies in a row; one copy, 3 bases deleted; also written c.3766_3768del.
Protein change: p.Lys1256del; deletes lysine 1256.
Molecular consequence: inframe deletion.
Genome position (GRCh38, 1-based): chr16:15,726,938-15,726,940, CTT deleted on the plus strand (AAG on the coding strand, the reverse complement: MYH11 is on the minus strand); deleting any 3 consecutive bases within chr16:15,726,938-15,726,949 gives the same sequence; the position shown is the placement nearest the transcript's 3' end. VCF-style (leftmost placement, unchanged base first): chr16-15726937-GCTT-G. GRCh37 (hg19) VCF-style: chr16-15820794-GCTT-G.
Other names: c.3787_3789del (NM_001040113.1, NM_001040113.2); c.3766_3768delAAG (NM_002474.2); c.3766_3768del (NM_002474.3); c.3787_3789delAAG (NM_001040114.1, NM_001040114.2, NM_001040113.2); c.3778AAG[3], p.Lys1263del (NM_001040113.2, NM_001040114.2); c.3757AAG[3], p.Lys1256del (NM_022844.3); short protein forms K1263del, K1256del.
Identifiers: ClinVar variation 180420 (VCV000180420.96), dbSNP rs730880147, ClinGen allele CA346470.